The following is an entry in ClinVar:

ClinVar aggregate classification (germline): Uncertain significance (1 of 4 stars; one submission).

Conditions:
Leigh syndrome (NULS). Also called: Leigh's necrotizing encephalopathy; Leigh's disease; Leigh's syndrome; LEIGH SYNDROME, NUCLEAR; Leigh Syndrome (mtDNA deletion); Leigh Disease. Identifiers: Orphanet 506, MedGen C2931891, MONDO:0009723, OMIM 256000.

Submission:

Wong Mito Lab, Molecular and Human Genetics, Baylor College of Medicine
Classification: Uncertain significance for Leigh syndrome. Last evaluated: 2019-10-17. Review status: criteria provided, single submitter. Criteria: Modified ACMG Guidelines (Unpublished). Collection method: clinical testing. Allele origin: germline.
Comment: The NC_012920.1:m.14825A>G (YP_003024038.1:p.Ile27Val) variant in MTCYB gene is interpretated to be a Uncertain Significance variant based on the modified ACMG guidelines (unpublished). This variant meets the following evidence codes: PP6

NC_012920.1(MT-CYB):m.14825A>G

Gene: MT-CYB (mitochondrially encoded cytochrome b; plus strand).
Variant type: single nucleotide variant.
Genome position: chrM-14825-A-G.
Identifiers: ClinVar variation 693771 (VCV000693771.1), dbSNP rs1603224912, ClinGen allele CA913172195.